The following is an entry in ClinVar:

NM_001378454.1(ALMS1):c.9599C>T (p.Ala3200Val)

Gene: ALMS1 (ALMS1 centrosome and basal body associated protein; plus strand). Cytogenetic location: 2p13.1.
Variant type: single nucleotide variant.
Coding change: c.9599C>T on transcript NM_001378454.1 (MANE Select); coding-DNA position 9599, C replaced by T.
Protein change: p.Ala3200Val; replaces alanine 3200 with valine.
Molecular consequence: missense variant.
Genome position (GRCh38, 1-based): chr2:73,519,834, C>T. VCF-style: chr2-73519834-C-T. GRCh37 (hg19) VCF-style: chr2-73746961-C-T.
Other names: c.9602C>T, p.Ala3201Val (NM_015120.4); short protein forms A3200V, A3201V.
Identifiers: ClinVar variation 4984912 (VCV004984912.1).

ClinVar aggregate classification (germline): Uncertain significance (1 of 4 stars; one submission).

Conditions:
ALMS1-related disorder. Also called: ALMS1-related condition.

gnomAD v4.1: 1 of 1,613,620 alleles (0.000062%); highest among the groups gnomAD compares: African/African-American, 0.0013%; no homozygotes.

Submission:

PreventionGenetics, part of Exact Sciences
Classification: Uncertain significance for ALMS1-related condition. Last evaluated: 2026-08-17. Review status: criteria provided, single submitter. Criteria: ACMG Guidelines, 2015. Collection method: clinical testing. Allele origin: germline.
Comment: The ALMS1 c.9602C>T variant is predicted to result in the amino acid substitution p.Thr3201Ile. To our knowledge, this variant has not been reported in the literature. This variant is reported in 0.021% of alleles in individuals of African descent in gnomAD. At this time, the clinical significance of this variant is uncertain due to the absence of conclusive functional and genetic evidence.